The following is an entry in ClinVar:

ClinVar aggregate classification (germline): Benign/Likely benign. Review status: criteria provided, multiple submitters, no conflicts (2 of 4 stars). 8 submissions from 8 submitters: Benign (2); Likely benign (4). 2 of the submissions do not count toward it. Last evaluated 2026-01-26.

Conditions:
Fraser syndrome 1 (FRASRS1). Also called: CRYPTOPHTHALMOS WITH OTHER MALFORMATIONS. Identifiers: Orphanet 2052, MedGen C4551480, MONDO:0054737, OMIM 219000.

Allele frequency attached by ClinVar (database versions not stated): 1000 Genomes Project 0.00060; 1000 Genomes Project 30x 0.00078; TOPMed 0.00258; gnomAD exomes 0.00296 and 0.00508; ExAC 0.00344; ESP Exome Variant Server 0.00379.
gnomAD v4.1: 7,726 of 1,613,518 alleles (0.48%); highest among the groups gnomAD compares: Non-Finnish European, 0.6%; 33 homozygotes.

Submissions (8):

Labcorp Genetics (formerly Invitae), Labcorp
Classification: Benign. Last evaluated: 2026-01-26. Review status: criteria provided, single submitter. Criteria: Invitae Variant Classification Sherloc (09022015). Collection method: clinical testing. Allele origin: germline.

CeGaT Center for Human Genetics Tuebingen
Classification: Likely benign. Last evaluated: 2022-03-01. Review status: criteria provided, single submitter. Criteria: CeGaT Center For Human Genetics Tuebingen Variant Classification Criteria Version 2. Collection method: clinical testing. Allele origin: germline. Affected: yes. Observed: 1 variant allele.
Comment: FRAS1: BP4, BP7

Fulgent Genetics
Classification: Benign for Fraser syndrome 1. Last evaluated: 2021-08-19. Review status: criteria provided, single submitter. Criteria: ACMG Guidelines, 2015. Collection method: clinical testing. Allele origin: unknown.

Illumina Laboratory Services, Illumina
Classification: Likely benign for Fraser syndrome 1. Last evaluated: 2018-01-13. Review status: criteria provided, single submitter. Criteria: ICSL Variant Classification Criteria 13 December 2019. Collection method: clinical testing. Allele origin: germline.
Comment: This variant was observed in the ICSL laboratory as part of a predisposition screen in an ostensibly healthy population. It had not been previously curated by ICSL or reported in the Human Gene Mutation Database (HGMD: prior to June 1st, 2018), and was therefore a candidate for classification through an automated scoring system. Utilizing variant allele frequency, disease prevalence and penetrance estimates, and inheritance mode, an automated score was calculated to assess if this variant is too frequent to cause the disease. Based on the score and internal cut-off values, a variant classified as likely benign is not then subjected to further curation. The score for this variant resulted in a classification of likely benign for this disease.

Eurofins Ntd Llc (ga)
Classification: Likely benign. Last evaluated: 2017-11-14. Review status: criteria provided, single submitter. Criteria: EGL Classification Definitions 2015. Collection method: clinical testing. Allele origin: germline. Observed: 1 variant allele, 1 heterozygote.

Breakthrough Genomics
Classification: Likely benign. Review status: criteria provided, single submitter. Criteria: ACMG Guidelines, 2015. Collection method: not provided. Allele origin: germline. Inheritance: Autosomal recessive inheritance. Affected: yes.

Clinical Genetics DNA and cytogenetics Diagnostics Lab, Erasmus MC, Erasmus Medical Center
Classification: Likely benign. Review status: no assertion criteria provided. Collection method: clinical testing. Allele origin: germline. Affected: yes. Study: VKGL Data-share Consensus. Not counted in ClinVar's aggregate classification.

Genome Diagnostics Laboratory, University Medical Center Utrecht
Classification: Benign. Review status: no assertion criteria provided. Collection method: clinical testing. Allele origin: germline. Affected: yes. Study: VKGL Data-share Consensus. Not counted in ClinVar's aggregate classification.

NM_025074.7(FRAS1):c.8832C>T (p.Ser2944=)

Gene: FRAS1 (Fraser extracellular matrix complex subunit 1; plus strand). Cytogenetic location: 4q21.21.
Variant type: single nucleotide variant.
Coding change: c.8832C>T on transcript NM_025074.7 (MANE Select); coding-DNA position 8832, C replaced by T.
Protein change: p.Ser2944=; no amino-acid change (serine 2944 retained).
Molecular consequence: synonymous variant.
Genome position (GRCh38, 1-based): chr4:78,488,954, C>T. VCF-style: chr4-78488954-C-T. GRCh37 (hg19) VCF-style: chr4-79410108-C-T.
Identifiers: ClinVar variation 594637 (VCV000594637.46), dbSNP rs114854941, ClinGen allele CA2978504.